The following is an entry in ClinVar:

NM_023110.3(FGFR1):c.1864C>G (p.Arg622Gly)

Gene: FGFR1 (fibroblast growth factor receptor 1; minus strand). Cytogenetic location: 8p11.23.
Variant type: single nucleotide variant.
Coding change: c.1864C>G on transcript NM_023110.3 (MANE Select); coding-DNA position 1864, C replaced by G.
Protein change: p.Arg622Gly; replaces arginine 622 with glycine.
Molecular consequence: missense variant.
Genome position (GRCh38, 1-based): chr8:38,414,892, G>C on the plus strand (C>G on the coding strand, the complement: FGFR1 is on the minus strand). VCF-style: chr8-38414892-G-C. GRCh37 (hg19) VCF-style: chr8-38272410-G-C.
Other names: c.1858C>G, p.Arg620Gly (NM_001174063.2, NM_001174065.2, NM_001354367.2 and 1 more transcripts); c.1834C>G, p.Arg612Gly (NM_001174064.2); c.1597C>G, p.Arg533Gly (NM_001174066.2, NM_023105.3); c.1957C>G, p.Arg653Gly (NM_001174067.2); c.1585C>G, p.Arg529Gly (NM_001354368.2); c.1852C>G, p.Arg618Gly (NM_001354369.2); c.1591C>G, p.Arg531Gly (NM_001354370.2, NM_023106.3); short protein forms R622G, R531G, R533G, R653G, R612G, R618G, R529G, R620G.
Identifiers: ClinVar variation 265428 (VCV000265428.3), dbSNP rs121909628, ClinGen allele CA10588455.

ClinVar aggregate classification (germline): Pathogenic (1 of 4 stars; one submission).

Submission:

GeneDx
Classification: Pathogenic. Last evaluated: 2023-04-27. Review status: criteria provided, single submitter. Criteria: GeneDx Variant Classification Process June 2021. Collection method: clinical testing. Allele origin: germline. Affected: yes.
Comment: In silico analysis supports that this missense variant has a deleterious effect on protein structure/function; Not observed at significant frequency in large population cohorts (gnomAD); This variant is associated with the following publications: (PMID: 23329143, 20079901, 16757108)